The following is an entry in ClinVar:

NM_001278512.2(AP3B2):c.1129del (p.Tyr376_Leu377insTer)

Genes: AP3B2 (adaptor related protein complex 3 subunit beta 2; minus strand), CPEB1-AS1 (CPEB1 antisense RNA 1; plus strand). Cytogenetic location: 15q25.2.
Variant type: Deletion.
Coding change: c.1129del on transcript NM_001278512.2 (MANE Select); coding-DNA position 1129, one base deleted (C; older notation c.1129delC).
Protein change: p.Tyr376_Leu377insTer.
Molecular consequence: nonsense.
Genome position (GRCh38, 1-based): chr15:82,679,782, G deleted on the plus strand (C on the coding strand, the reverse complement: AP3B2 is on the minus strand); the first of 2 consecutive G bases (chr15:82,679,782-82,679,783); deleting either gives the same sequence. VCF-style (leftmost placement, unchanged base first): chr15-82679781-AG-A. GRCh37 (hg19) VCF-style: chr15-83348533-AG-A.
Other names: c.1033del, p.Tyr344_Leu345insTer (NM_001278511.2); c.1129del, p.Tyr376_Leu377insTer (NM_004644.5).
Identifiers: ClinVar variation 3362285 (VCV003362285.3).

ClinVar aggregate classification (germline): Likely pathogenic (1 of 4 stars; one submission).

Conditions:
Developmental and epileptic encephalopathy, 48 (DEE48). Also called: Epileptic encephalopathy, early infantile, 48. Identifiers: MedGen C4310637, MONDO:0015000, OMIM 617276.

Submission:

Neuberg Centre For Genomic Medicine, NCGM
Classification: Likely pathogenic for Developmental and epileptic encephalopathy, 48. Last evaluated: 2023-06-02. Review status: criteria provided, single submitter. Criteria: ACMG Guidelines, 2015. Collection method: clinical testing. Allele origin: germline. Inheritance: Autosomal recessive inheritance. Affected: yes.
Comment: The observed frameshift variant c.1129del(p.Leu377Ter) in AP3B2 gene has not been reported previously as a pathogenic variant nor as a benign variant, to our knowledge. The (p.Leu377Ter) variant is absent in gnomAD Exomes. This variant is predicted to cause loss of normal protein function through protein truncation. Loss of function variants have been previously reported to be disease causing (Assoum M, et al., 2016). For these reasons, this variant has been classified as Likely Pathogenic.